The following is an entry in ClinVar:

ClinVar aggregate classification (germline): Likely benign (1 of 4 stars; one submission).

Allele frequency attached by ClinVar (database versions not stated): gnomAD 0.00066; TOPMed 0.00066; 1000 Genomes Project 30x 0.00078; 1000 Genomes Project 0.00100.
gnomAD v4.1: 102 of 152,344 alleles (0.067%); highest among the groups gnomAD compares: Non-Finnish European, 0.1%; no homozygotes.

Submission:

CeGaT Center for Human Genetics Tuebingen
Classification: Likely benign. Last evaluated: 2022-11-01. Review status: criteria provided, single submitter. Criteria: CeGaT Center For Human Genetics Tuebingen Variant Classification Criteria Version 2. Collection method: clinical testing. Allele origin: germline. Affected: yes. Observed: 2 variant alleles.
Comment: TLK2: BS1

NM_006852.6(TLK2):c.1460+3246T>C

Gene: TLK2 (tousled like kinase 2; plus strand). Cytogenetic location: 17q23.2.
Variant type: single nucleotide variant.
Coding change: c.1460+3246T>C on transcript NM_006852.6 (MANE Select); 3246 bases into the intron after coding-DNA position 1460, T replaced by C.
Molecular consequence: intron variant.
Genome position (GRCh38, 1-based): chr17:62,589,472, T>C. VCF-style: chr17-62589472-T-C. GRCh37 (hg19) VCF-style: chr17-60666833-T-C.
Other names: c.1460+3246T>C (NM_001375271.1, NM_001375270.1); c.1013+3246T>C (NM_001375273.1, NM_001330418.3); c.1364+3246T>C (NM_001375272.1, NM_001284363.1); c.1175+3246T>C (NM_001411074.1); c.1526+3246T>C (NM_001284333.3); c.1502+3246T>C (NM_001375269.1).
Identifiers: ClinVar variation 2648029 (VCV002648029.24), dbSNP rs565902324, ClinGen allele CA292822243.